The following is an entry in ClinVar:

NC_000002.11:g.(?_86509273)_(86564633_?)del

Gene: REEP1 (receptor accessory protein 1; minus strand). Cytogenetic location: 2p11.2.
Variant type: Deletion.
Identifiers: ClinVar variation 1459865 (VCV001459865.4).

ClinVar aggregate classification (germline): Pathogenic (1 of 4 stars; one submission).

Conditions:
Hereditary spastic paraplegia 31. Also called: SPASTIC PARAPLEGIA 31, AUTOSOMAL DOMINANT. Identifiers: Orphanet 101011, MedGen C1853247, MONDO:0012453, OMIM 610250.

Submission:

Labcorp Genetics (formerly Invitae), Labcorp
Classification: Pathogenic for Hereditary spastic paraplegia 31. Last evaluated: 2023-01-16. Review status: criteria provided, single submitter. Criteria: Invitae Variant Classification Sherloc (09022015). Collection method: clinical testing. Allele origin: germline.
Comment: This variant is a gross deletion of the genomic region encompassing exon(s) 1-2 of the REEP1 gene, which includes the initiator codon. This deletion extends beyond the assayed region for this gene and therefore may encompass additional genes. It is expected to result in an absent or disrupted protein product. Loss-of-function variants in REEP1 are known to be pathogenic (PMID: 18321925, 18644145, 22703882). This variant has not been reported in the literature in individuals affected with REEP1-related conditions. For these reasons, this variant has been classified as Pathogenic.

Literature cited by the submitters: PubMed 18321925; PubMed 18644145; PubMed 22703882.